The following is an entry in ClinVar:

ClinVar aggregate classification (germline): Pathogenic (1 of 4 stars; one submission).

Conditions:
Scoliosis, isolated, susceptibility to, 3. Identifiers: MedGen C1837461, MONDO:0012115, OMIM 608765.

Submission:

Baylor Genetics
Classification: Pathogenic for Scoliosis, isolated, susceptibility to, 3. Last evaluated: 2018-05-24. Review status: criteria provided, single submitter. Criteria: ACMG Guidelines, 2015. Collection method: clinical testing. Allele origin: de novo. Affected: yes.
Comment: This variant was determined to be pathogenic according to ACMG Guidelines, 2015 [PMID:25741868].

NM_017780.4(CHD7):c.4994G>A (p.Trp1665Ter)

Gene: CHD7 (chromodomain helicase DNA binding protein 7; plus strand). Cytogenetic location: 8q12.2.
Variant type: single nucleotide variant.
Coding change: c.4994G>A on transcript NM_017780.4 (MANE Select); coding-DNA position 4994, G replaced by A.
Protein change: p.Trp1665Ter; replaces tryptophan 1665 with a stop codon.
Molecular consequence: nonsense. On other transcripts: intron variant (1).
Genome position (GRCh38, 1-based): chr8:60,845,007, G>A. VCF-style: chr8-60845007-G-A. GRCh37 (hg19) VCF-style: chr8-61757566-G-A.
Other names: c.1717-17222G>A (NM_001316690.1); short protein forms W1665*.
Identifiers: ClinVar variation 1032764 (VCV001032764.1), dbSNP rs1805143456, ClinGen allele CA371320052.